The following is an entry in ClinVar:

ClinVar aggregate classification (germline): Pathogenic (1 of 4 stars; one submission).

Conditions:
Hereditary cancer-predisposing syndrome. Also called: Neoplastic Syndromes, Hereditary; Tumor predisposition; Hereditary Cancer Syndrome; Hereditary neoplastic syndrome. Identifiers: Orphanet 140162, MedGen C0027672, MeSH D009386, MONDO:0015356.

Submission:

Ambry Genetics
Classification: Pathogenic for Hereditary cancer-predisposing syndrome. Last evaluated: 2025-08-26. Review status: criteria provided, single submitter. Criteria: Ambry Variant Classification Scheme 2023. Collection method: clinical testing. Allele origin: germline.
Comment: The c.713_714delAGinsT pathogenic mutation, located in coding exon 4 of the BARD1 gene, results from the deletion of two nucleotides and insertion of one nucleotide causing a translational frameshift with a predicted alternate stop codon (p.K238Ifs*17). This variant is considered to be rare based on population cohorts in the Genome Aggregation Database (gnomAD). This alteration is expected to result in loss of function by premature protein truncation or nonsense-mediated mRNA decay. As such, this alteration is interpreted as a disease-causing mutation.

NM_000465.4(BARD1):c.713_714delinsT (p.Lys238fs)

Gene: BARD1 (BRCA1 associated RING domain 1; minus strand). Cytogenetic location: 2q35.
Variant type: Indel.
Coding change: c.713_714delinsT on transcript NM_000465.4 (MANE Select); coding-DNA positions 713 to 714, AG replaced by T.
Protein change: p.Lys238fs; shifts the reading frame from lysine 238.
Molecular consequence: frameshift variant. On other transcripts: non-coding transcript variant (2), intron variant (3).
Genome position (GRCh38, 1-based): chr2:214,781,160-214,781,161, CT replaced by A on the plus strand (AG replaced by T on the coding strand, the reverse complement: BARD1 is on the minus strand). VCF-style: chr2-214781160-CT-A. GRCh37 (hg19) VCF-style: chr2-215645884-CT-A.
Other names: c.656_657delinsT, p.Lys219fs (NM_001282543.2); c.158+28251_158+28252delinsT (NM_001282548.2); c.215+15900_215+15901delinsT (NM_001282545.2); c.364+11136_364+11137delinsT (NM_001282549.2); short protein forms K238fs, K219fs.
Identifiers: ClinVar variation 4196364 (VCV004196364.1).
Genomic context (GRCh38, chr2:214,781,160, plus strand): 5'-TATTTCACCATTTATCTGAGGACTGGAGATAACAGATGGTTGGCTACAGAAGGATACCAG[CT>A]TTTGCTTAGATTCCTCTTTGGAGTCAAATTCACCATCTTCTTTTTCTGCCTCTAAATTCC-3'